The following is an entry in ClinVar:

ClinVar aggregate classification (germline): Uncertain significance (0 of 4 stars; one submission).

Submission:

Diagnostics Centre, Carl Von Ossietzky University Oldenburg
Classification: Uncertain significance. Last evaluated: 2025-08-11. Review status: no assertion criteria provided. Collection method: clinical testing. Allele origin: germline. Affected: yes. Observed: 1 variant allele.
Comment: The identified alteration is an approximately 6.7 kb heterozygous deletion in chromosomal region 3q25.1. The deletion encompasses exons 9 and 10, corresponding to the last and penultimate exons of the RNF13 gene. According to in silico predictions, the resulting transcript is expected to be degraded via nonsense-mediated mRNA decay (NMD). The RNF13 gene encodes ring finger protein 13, a key mediator of the endoplasmic reticulum stress response and apoptosis through interactions with IRE1α and the JNK signaling pathway. Pathogenic or likely pathogenic variants in this gene have been associated in an autosomal dominant manner with epileptic encephalopathy. This represents a dysmorphic syndrome with multiple anomalies, characterized by congenital microcephaly, childhood-onset epileptic encephalopathy, and profound developmental delay. Clinical manifestations may include cortical visual impairment, sensorineural hearing loss, increased muscle tone, limb contractures, and scoliosis. Deletions of comparable size and position have not yet been reported as pathogenic in ClinVar and are not found in population databases (gnomAD, DGV, DECIPHER). However, to date only nonsense variants—typically located toward the C-terminal region of the protein—have been described as disease-causing. These variants do not lead to complete loss of the transcript but rather to truncated protein products, and single missense variants have also been reported. A gain-of-function mechanism is therefore currently suspected (e.g., PMID: 37668308). Consequently, a causal role of the present deletion cannot be excluded, but it cannot be clearly established either. Overall, this deletion is therefore classified as a variant of uncertain significance (VUS).

Literature cited by the submitters: PubMed 37668308.

GRCh38/hg38 3q25.1(chr3:149957273-149963983)x1

Gene: RNF13 (ring finger protein 13; plus strand). Cytogenetic location: 3q25.1.
Variant type: copy number loss.
Change: copy number 1 (one copy instead of two) of chr3:149,957,273-149,963,983 (6.7 kb, GRCh38 coordinates, 1-based), cytogenetic band 3q25.1.
Identifiers: ClinVar variation 4886793 (VCV004886793.1).